The following is an entry in ClinVar:

NM_019892.6(INPP5E):c.1465G>T (p.Val489Leu)

Gene: INPP5E (inositol polyphosphate-5-phosphatase E; minus strand). Cytogenetic location: 9q34.3.
Variant type: single nucleotide variant.
Coding change: c.1465G>T on transcript NM_019892.6 (MANE Select); coding-DNA position 1465, G replaced by T.
Protein change: p.Val489Leu; replaces valine 489 with leucine.
Molecular consequence: missense variant.
Genome position (GRCh38, 1-based): chr9:136,431,908, C>A on the plus strand (G>T on the coding strand, the complement: INPP5E is on the minus strand). VCF-style: chr9-136431908-C-A. GRCh37 (hg19) VCF-style: chr9-139326360-C-A.
Other names: c.1462G>T, p.Val488Leu (NM_001318502.2); short protein forms V489L, V488L.
Identifiers: ClinVar variation 2172848 (VCV002172848.4), dbSNP rs781083748, ClinGen allele CA375562402.

ClinVar aggregate classification (germline): Uncertain significance (1 of 4 stars; one submission).

Conditions:
Joubert syndrome. Also called: CEREBELLOPARENCHYMAL DISORDER IV; JOUBERT-BOLTSHAUSER SYNDROME; Familial aplasia of the vermis. Identifiers: Orphanet 475, MedGen C5979921, MONDO:0018772.

gnomAD v4.1: 6 of 1,611,226 alleles (0.00037%); highest among the groups gnomAD compares: Non-Finnish European, 0.00051%; no homozygotes.

Submission:

Labcorp Genetics (formerly Invitae), Labcorp
Classification: Uncertain significance for Joubert syndrome. Last evaluated: 2022-07-03. Review status: criteria provided, single submitter. Criteria: Invitae Variant Classification Sherloc (09022015). Collection method: clinical testing. Allele origin: germline.
Comment: In summary, the available evidence is currently insufficient to determine the role of this variant in disease. Therefore, it has been classified as a Variant of Uncertain Significance. Algorithms developed to predict the effect of missense changes on protein structure and function (SIFT, PolyPhen-2, Align-GVGD) all suggest that this variant is likely to be tolerated. This variant has not been reported in the literature in individuals affected with INPP5E-related conditions. This variant is not present in population databases (gnomAD no frequency). This sequence change replaces valine, which is neutral and non-polar, with leucine, which is neutral and non-polar, at codon 489 of the INPP5E protein (p.Val489Leu).